The following is an entry in ClinVar:

ClinVar aggregate classification (germline): Likely benign. Review status: criteria provided, multiple submitters, no conflicts (2 of 4 stars). 3 submissions from 3 submitters: Likely benign (3). Last evaluated 2026-04-01.

Conditions:
Cardiovascular phenotype. Identifiers: MedGen CN230736.
Brugada syndrome. Also called: Sudden unexpected nocturnal death syndrome; Sudden unexplained nocturnal death syndrome; Sudden Unexplained Death Syndrome; Sudden Unexplained Nocturnal Death Syndrome (SUNDS). Identifiers: Orphanet 130, MedGen C1142166, MONDO:0015263.

Allele frequency attached by ClinVar (database versions not stated): gnomAD 0.00002; gnomAD exomes 0.00003 and 0.00005; TOPMed 0.00003; ExAC 0.00005; ESP Exome Variant Server 0.00015.
gnomAD v4.1: 75 of 1,614,048 alleles (0.0046%); highest among the groups gnomAD compares: Non-Finnish European, 0.0061%; no homozygotes.

Submissions (3):

CeGaT Center for Human Genetics Tuebingen
Classification: Likely benign. Last evaluated: 2026-04-01. Review status: criteria provided, single submitter. Criteria: CeGaT Center For Human Genetics Tuebingen Variant Classification Criteria Version 2. Collection method: clinical testing. Allele origin: germline. Affected: yes. Observed: 1 variant allele.
Comment: SCN10A: BP4, BP7

Labcorp Genetics (formerly Invitae), Labcorp
Classification: Likely benign for Brugada syndrome. Last evaluated: 2025-04-03. Review status: criteria provided, single submitter. Criteria: Invitae Variant Classification Sherloc (09022015). Collection method: clinical testing. Allele origin: germline.

Ambry Genetics
Classification: Likely benign for Cardiovascular phenotype. Last evaluated: 2019-03-18. Review status: criteria provided, single submitter. Criteria: Ambry Variant Classification Scheme 2023. Collection method: clinical testing. Allele origin: germline.

NM_006514.4(SCN10A):c.3711T>A (p.Ile1237=)

Gene: SCN10A (sodium voltage-gated channel alpha subunit 10; minus strand). Cytogenetic location: 3p22.2.
Variant type: single nucleotide variant.
Coding change: c.3711T>A on transcript NM_006514.4 (MANE Select); coding-DNA position 3711, T replaced by A.
Protein change: p.Ile1237=; no amino-acid change (isoleucine 1237 retained).
Molecular consequence: synonymous variant.
Genome position (GRCh38, 1-based): chr3:38,714,051, A>T on the plus strand (T>A on the coding strand, the complement: SCN10A is on the minus strand). VCF-style: chr3-38714051-A-T. GRCh37 (hg19) VCF-style: chr3-38755542-A-T.
Other names: c.3708T>A, p.Ile1236= (NM_001293306.2); c.3417T>A, p.Ile1139= (NM_001293307.2).
Identifiers: ClinVar variation 463251 (VCV000463251.13), dbSNP rs148339462, ClinGen allele CA2320141.